The following is an entry in ClinVar:

NM_006343.3(MERTK):c.856C>T (p.Pro286Ser)

Gene: MERTK (MER proto-oncogene, tyrosine kinase; plus strand). Cytogenetic location: 2q13.
Variant type: single nucleotide variant.
Coding change: c.856C>T on transcript NM_006343.3 (MANE Select); coding-DNA position 856, C replaced by T.
Protein change: p.Pro286Ser; replaces proline 286 with serine.
Molecular consequence: missense variant.
Genome position (GRCh38, 1-based): chr2:111,968,148, C>T. VCF-style: chr2-111968148-C-T. GRCh37 (hg19) VCF-style: chr2-112725725-C-T.
Other names: short protein forms P286S.
Identifiers: ClinVar variation 934004 (VCV000934004.9), dbSNP rs145602430, ClinGen allele CA1831213.

ClinVar aggregate classification (germline): Uncertain significance (1 of 4 stars; one submission).

Allele frequency attached by ClinVar (database versions not stated): gnomAD 0.00003; TOPMed 0.00003; ESP Exome Variant Server 0.00008.
gnomAD v4.1: 5 of 1,613,360 alleles (0.00031%); highest among the groups gnomAD compares: African/African-American, 0.0067%; no homozygotes.

Submission:

Labcorp Genetics (formerly Invitae), Labcorp
Classification: Uncertain significance. Last evaluated: 2019-08-26. Review status: criteria provided, single submitter. Criteria: Invitae Variant Classification Sherloc (09022015). Collection method: clinical testing. Allele origin: germline.
Comment: In summary, the available evidence is currently insufficient to determine the role of this variant in disease. Therefore, it has been classified as a Variant of Uncertain Significance. Algorithms developed to predict the effect of missense changes on protein structure and function (SIFT, PolyPhen-2, Align-GVGD) all suggest that this variant is likely to be disruptive, but these predictions have not been confirmed by published functional studies and their clinical significance is uncertain. This variant has not been reported in the literature in individuals with MERTK-related conditions. This variant is present in population databases (rs145602430, ExAC 0.02%). This sequence change replaces proline with serine at codon 286 of the MERTK protein (p.Pro286Ser). The proline residue is highly conserved and there is a moderate physicochemical difference between proline and serine.